The following is an entry in ClinVar:

ClinVar aggregate classification (germline): Uncertain significance (1 of 4 stars; one submission).

Submission:

Labcorp Genetics (formerly Invitae), Labcorp
Classification: Uncertain significance. Last evaluated: 2025-11-19. Review status: criteria provided, single submitter. Criteria: Invitae Variant Classification Sherloc (09022015). Collection method: clinical testing. Allele origin: germline.
Comment: This sequence change replaces lysine, which is basic and polar, with arginine, which is basic and polar, at codon 1037 of the DNA2 protein (p.Lys1037Arg). This variant is not present in population databases (gnomAD no frequency). This variant has not been reported in the literature in individuals affected with DNA2-related conditions. Invitae Evidence Modeling of protein sequence and biophysical properties (such as structural, functional, and spatial information, amino acid conservation, physicochemical variation, residue mobility, and thermodynamic stability) indicates that this missense variant is not expected to disrupt DNA2 protein function with a negative predictive value of 80%. In summary, the available evidence is currently insufficient to determine the role of this variant in disease. Therefore, it has been classified as a Variant of Uncertain Significance.

NM_001080449.3(DNA2):c.3110A>G (p.Lys1037Arg)

Gene: DNA2 (DNA replication helicase/nuclease 2; minus strand). Cytogenetic location: 10q21.3.
Variant type: single nucleotide variant.
Coding change: c.3110A>G on transcript NM_001080449.3 (MANE Select); coding-DNA position 3110, A replaced by G.
Protein change: p.Lys1037Arg; replaces lysine 1037 with arginine.
Molecular consequence: missense variant. On other transcripts: non-coding transcript variant (1).
Genome position (GRCh38, 1-based): chr10:68,416,713, T>C on the plus strand (A>G on the coding strand, the complement: DNA2 is on the minus strand). VCF-style: chr10-68416713-T-C. GRCh37 (hg19) VCF-style: chr10-70176470-T-C.
Other names: short protein forms K1037R.
Identifiers: ClinVar variation 4741623 (VCV004741623.1).